The following is an entry in ClinVar:

NM_005476.7(GNE):c.616+4C>T

Gene: GNE (glucosamine (UDP-N-acetyl)-2-epimerase/N-acetylmannosamine kinase; minus strand). Cytogenetic location: 9p13.3.
Variant type: single nucleotide variant.
Coding change: c.616+4C>T on transcript NM_005476.7 (MANE Select); 4 bases into the intron after coding-DNA position 616, C replaced by T.
Molecular consequence: intron variant.
Genome position (GRCh38, 1-based): chr9:36,246,027, G>A on the plus strand (C>T on the coding strand, the complement: GNE is on the minus strand). VCF-style: chr9-36246027-G-A. GRCh37 (hg19) VCF-style: chr9-36246024-G-A.
Other names: c.439+4C>T (NM_001190388.2, NM_001190384.3, NM_001374798.1); c.709+4C>T (NM_001128227.3); c.616+4C>T (NM_001374797.1, NM_001190383.3).
Identifiers: ClinVar variation 2146307 (VCV002146307.4), dbSNP rs772904234, ClinGen allele CA5056700.

ClinVar aggregate classification (germline): Uncertain significance (1 of 4 stars; one submission).

Conditions:
Sialuria. Also called: Sialic Acid Storage Disease; SIALURIA, FRENCH TYPE. Identifiers: Orphanet 3166, MedGen C0342853, MONDO:0010028, OMIM 269921.
GNE myopathy (NM). Also called: NONAKA DISTAL MYOPATHY; IBM 2; Inclusion body myopathy autosomal recessive; Inclusion body myopathy quadriceps sparing; INCLUSION BODY MYOPATHY, HEREDITARY, AUTOSOMAL RECESSIVE; INCLUSION BODY MYOPATHY 2, AUTOSOMAL RECESSIVE. Identifiers: Orphanet 602, MedGen C1853926, MONDO:0011603, OMIM 605820.

gnomAD v4.1: 12 of 1,609,736 alleles (0.00075%); highest among the groups gnomAD compares: African/African-American, 0.0013%; no homozygotes.

Submission:

Labcorp Genetics (formerly Invitae), Labcorp
Classification: Uncertain significance for Sialuria; GNE myopathy. Last evaluated: 2025-01-27. Review status: criteria provided, single submitter. Criteria: Invitae Variant Classification Sherloc (09022015). Collection method: clinical testing. Allele origin: germline.
Comment: This sequence change falls in intron 3 of the GNE gene. It does not directly change the encoded amino acid sequence of the GNE protein. It affects a nucleotide within the consensus splice site. This variant is not present in population databases (gnomAD no frequency). This variant has not been reported in the literature in individuals affected with GNE-related conditions. ClinVar contains an entry for this variant (Variation ID: 2146307). Variants that disrupt the consensus splice site are a relatively common cause of aberrant splicing (PMID: 17576681, 9536098). Algorithms developed to predict the effect of sequence changes on RNA splicing suggest that this variant is not likely to affect RNA splicing. In summary, the available evidence is currently insufficient to determine the role of this variant in disease. Therefore, it has been classified as a Variant of Uncertain Significance.

Literature cited by the submitters: PubMed 17576681; PubMed 9536098.